The following is an entry in ClinVar:

ClinVar aggregate classification (germline): Likely pathogenic (1 of 4 stars; one submission).

Conditions:
Hereditary cancer-predisposing syndrome. Also called: Hereditary Cancer Syndrome; Hereditary neoplastic syndrome; Neoplastic Syndromes, Hereditary; Tumor predisposition. Identifiers: Orphanet 140162, MedGen C0027672, MeSH D009386, MONDO:0015356.

Submission:

Ambry Genetics
Classification: Likely pathogenic for Hereditary cancer-predisposing syndrome. Last evaluated: 2026-09-14. Review status: criteria provided, single submitter. Criteria: Ambry Variant Classification Scheme 2023. Collection method: clinical testing. Allele origin: germline.
Comment: The p.V220D variant (also known as c.659T>A), located in coding exon 5 of the TSC1 gene, results from a T to A substitution at nucleotide position 659. The valine at codon 220 is replaced by aspartic acid, an amino acid with highly dissimilar properties. This alteration has been identified in multiple individuals with a personal and/or family history that is consistent with TSC1-related disease (Ambry internal data; Peron A et al. Am J Med Genet A, 2016 Jun;170:1538-44). This amino acid position is well conserved in available vertebrate species. In addition, this alteration is predicted to be deleterious by in silico analysis. Based on the majority of available evidence to date, this variant is likely to be pathogenic.

Literature cited by the submitters: PubMed 27061015.

NM_000368.5(TSC1):c.659T>A (p.Val220Asp)

Gene: TSC1 (TSC complex subunit 1; minus strand). Cytogenetic location: 9q34.13.
Variant type: single nucleotide variant.
Coding change: c.659T>A on transcript NM_000368.5 (MANE Select); coding-DNA position 659, T replaced by A.
Protein change: p.Val220Asp; replaces valine 220 with aspartic acid.
Molecular consequence: missense variant. On other transcripts: 5 prime UTR variant (5), non-coding transcript variant (5).
Genome position (GRCh38, 1-based): chr9:132,921,823, A>T on the plus strand (T>A on the coding strand, the complement: TSC1 is on the minus strand). VCF-style: chr9-132921823-A-T. GRCh37 (hg19) VCF-style: chr9-135797210-A-T.
Other names: c.296T>A, p.Val99Asp (NM_001406614.1, NM_001406615.1, NM_001406616.1 and 10 more transcripts); c.659T>A, p.Val220Asp (NM_001162426.2, NM_001406592.1, NM_001406593.1 and 16 more transcripts); c.506T>A, p.Val169Asp (NM_001162427.2, NM_001406610.1, NM_001406611.1 and 2 more transcripts); c.-219T>A (NM_001406626.1, NM_001406627.1, NM_001406628.1); c.-361T>A (NM_001406629.1); c.-435T>A (NM_001406630.1); short protein forms V220D, V169D, V99D.
Identifiers: ClinVar variation 2447883 (VCV002447883.3), dbSNP rs2132149285, ClinGen allele CA375371625.
Genomic context (GRCh38, chr9:132,921,823, plus strand): 5'-TGCAGCCTATCTAAACAGTATACTAAGTAGCAAACAAACAAGCAGTTTCAATTTACCTTG[A>T]CCACTTCTTCAAAAGTCTCCAGGTTTTCTTTCATACTGTAATGAGAACGCAAAAAGGAGA-3'
Protein context (NP_000359.1, residues 210-230): KENLETFEEV[Val220Asp]KPMMEHVRIH